The following is an entry in ClinVar:

ClinVar aggregate classification (germline): Likely pathogenic (1 of 4 stars; one submission).

Conditions:
Retinitis pigmentosa 28 (RP28). Identifiers: Orphanet 791, MedGen C1419614, MONDO:0011630, OMIM 606068.

Submission:

Natera, Inc.
Classification: Likely pathogenic for Retinitis pigmentosa type 28. Last evaluated: 2024-08-28. Review status: criteria provided, single submitter. Criteria: Natera Variant Classification Schema (03/2026). Collection method: clinical testing. Allele origin: germline.
Comment: The c.801dup variant in FAM161A is a frameshift variant predicted to shift the reading frame beginning at codon 268 and leads to a stop codon 12 codons downstream. This variant is expected to result in nonsense mediated decay, truncation, or a dysfunctional protein product. This variant is rare in the general population with a frequency below the threshold expected for the associated phenotype(s). Given the available evidence, this variant is classified as Likely Pathogenic.

NM_001201543.2(FAM161A):c.801dup (p.Ala268fs)

Gene: FAM161A (FAM161 centrosomal protein A; minus strand). Cytogenetic location: 2p15.
Variant type: Duplication.
Coding change: c.801dup on transcript NM_001201543.2 (MANE Select); coding-DNA position 801, one base duplicated (A; older notation c.801dupA).
Protein change: p.Ala268fs; shifts the reading frame from alanine 268.
Molecular consequence: frameshift variant. On other transcripts: non-coding transcript variant (1).
Genome position (GRCh38, 1-based): chr2:61,840,203, T duplicated on the plus strand (A on the coding strand, the reverse complement: FAM161A is on the minus strand); the first of 3 consecutive T bases (chr2:61,840,203-61,840,205); duplicating any one gives the same sequence. VCF-style (leftmost placement, unchanged base first): chr2-61840202-C-CT. GRCh37 (hg19) VCF-style: chr2-62067337-C-CT.
Other names: c.801dup, p.Ala268fs (NM_032180.3); short protein forms A268fs.
Identifiers: ClinVar variation 4814696 (VCV004814696.1).
Genomic context (GRCh38, chr2:61,840,202, plus strand): 5'-GAACTGGATTGGCTCGGAATTTCTTCTTATACTCTGGATCCTCTTCTTGTTTTTTGAGCG[C>CT]TTTATGTACCATTTCGATATCTGATTTAGATTTCATGGACTCTTCTTTTTTCTTCTGTTC-3'